The following is an entry in ClinVar:

ClinVar aggregate classification (germline): Benign. Review status: criteria provided, multiple submitters, no conflicts (2 of 4 stars). 2 submissions from 2 submitters: Benign (2). Last evaluated 2018-01-12.

Conditions:
Fraser syndrome 2 (FRASRS2). Identifiers: MedGen C4540036, MONDO:0054738, OMIM 617666.

Allele frequency attached by ClinVar (database versions not stated): gnomAD 0.26496 and 0.26619; TOPMed 0.27162; 1000 Genomes Project 0.30371; 1000 Genomes Project 30x 0.30465.

Submissions (2):

Illumina Laboratory Services, Illumina
Classification: Benign for Fraser syndrome 2. Last evaluated: 2018-01-12. Review status: criteria provided, single submitter. Criteria: ICSL Variant Classification Criteria 13 December 2019. Collection method: clinical testing. Allele origin: germline.
Comment: This variant was observed in the ICSL laboratory as part of a predisposition screen in an ostensibly healthy population. It had not been previously curated by ICSL or reported in the Human Gene Mutation Database (HGMD: prior to June 1st, 2018), and was therefore a candidate for classification through an automated scoring system. Utilizing variant allele frequency, disease prevalence and penetrance estimates, and inheritance mode, an automated score was calculated to assess if this variant is too frequent to cause the disease. Based on the score and internal cut-off values, a variant classified as benign is not then subjected to further curation. The score for this variant resulted in a classification of benign for this disease.

Breakthrough Genomics
Classification: Benign. Review status: criteria provided, single submitter. Criteria: ACMG Guidelines, 2015. Collection method: not provided. Allele origin: germline. Inheritance: Autosomal recessive inheritance. Affected: yes.

NM_207361.6(FREM2):c.*3481G>A

Gene: FREM2 (FRAS1 related extracellular matrix 2; plus strand). Cytogenetic location: 13q13.3.
Variant type: single nucleotide variant.
Coding change: c.*3481G>A on transcript NM_207361.6 (MANE Select); 3481 bases downstream of the stop codon, G replaced by A.
Molecular consequence: 3 prime UTR variant.
Genome position (GRCh38, 1-based): chr13:38,884,268, G>A. VCF-style: chr13-38884268-G-A. GRCh37 (hg19) VCF-style: chr13-39458405-G-A.
Identifiers: ClinVar variation 312080 (VCV000312080.6), dbSNP rs2184141, ClinGen allele CA10639522.
Genomic context (GRCh38, chr13:38,884,268, plus strand): 5'-TTCTGTAAGCAGCAAAAAAGCTTCTTTATCAAGTCATCTTACCTCTAATTCTTTTCCAGT[G>A]TGCCAACTCCAAAGTCAACATTAAAAATGTAAATGGACCTGTGTAAATATCACAGAGAGC-3'